The following is an entry in ClinVar:

ClinVar aggregate classification (germline): Uncertain significance. Review status: criteria provided, multiple submitters, no conflicts (2 of 4 stars). 2 submissions from 2 submitters: Uncertain significance (2). Last evaluated 2023-03-17.

Conditions:
Familial adenomatous polyposis 1 (FAP1). Also called: FAMILIAL ADENOMATOUS POLYPOSIS 1, ATTENUATED; POLYPOSIS, ADENOMATOUS INTESTINAL. Identifiers: MedGen C2713442, MONDO:0021056, OMIM 175100. Disease mechanism: loss of function.

gnomAD v4.1: 1 of 1,613,468 alleles (0.000062%); highest among the groups gnomAD compares: Non-Finnish European, 0.000085%; no homozygotes.

Submissions (2):

GeneDx
Classification: Uncertain significance. Last evaluated: 2023-03-17. Review status: criteria provided, single submitter. Criteria: GeneDx Variant Classification Process June 2021. Collection method: clinical testing. Allele origin: germline. Affected: yes.
Comment: Not observed at significant frequency in large population cohorts (gnomAD); In silico analysis supports that this missense variant does not alter protein structure/function; Has not been previously published as pathogenic or benign to our knowledge

Labcorp Genetics (formerly Invitae), Labcorp
Classification: Uncertain significance for Familial adenomatous polyposis 1. Last evaluated: 2022-11-22. Review status: criteria provided, single submitter. Criteria: Invitae Variant Classification Sherloc (09022015). Collection method: clinical testing. Allele origin: germline.
Comment: In summary, the available evidence is currently insufficient to determine the role of this variant in disease. Therefore, it has been classified as a Variant of Uncertain Significance. Advanced modeling of protein sequence and biophysical properties (such as structural, functional, and spatial information, amino acid conservation, physicochemical variation, residue mobility, and thermodynamic stability) performed at Invitae indicates that this missense variant is not expected to disrupt APC protein function. This variant has not been reported in the literature in individuals affected with APC-related conditions. This variant is not present in population databases (gnomAD no frequency). This sequence change replaces glycine, which is neutral and non-polar, with valine, which is neutral and non-polar, at codon 2407 of the APC protein (p.Gly2407Val).

NM_000038.6(APC):c.7220G>T (p.Gly2407Val)

Gene: APC (APC regulator of Wnt signaling pathway; plus strand). Cytogenetic location: 5q22.2.
Variant type: single nucleotide variant.
Coding change: c.7220G>T on transcript NM_000038.6 (MANE Select); coding-DNA position 7220, G replaced by T.
Protein change: p.Gly2407Val; replaces glycine 2407 with valine.
Molecular consequence: missense variant.
Genome position (GRCh38, 1-based): chr5:112,842,814, G>T. VCF-style: chr5-112842814-G-T. GRCh37 (hg19) VCF-style: chr5-112178511-G-T.
Other names: c.7220G>T (NM_000038.5); c.7220G>T, p.Gly2407Val (NM_001127510.3, NM_001354895.2, NM_001407450.1); c.7166G>T, p.Gly2389Val (NM_001127511.3); c.7274G>T, p.Gly2425Val (NM_001354896.2, NM_001407447.1, NM_001407448.1 and 1 more transcripts); c.7250G>T, p.Gly2417Val (NM_001354897.2); c.7145G>T, p.Gly2382Val (NM_001354898.2); c.7136G>T, p.Gly2379Val (NM_001354899.2); c.7097G>T, p.Gly2366Val (NM_001354900.2); and 12 more; short protein forms G2247V, G2278V, G2382V, G2397V, G2400V, G2425V, G2124V, G2389V.
Identifiers: ClinVar variation 1937313 (VCV001937313.6), dbSNP rs1312870922, ClinGen allele CA16037059.